The following is an entry in ClinVar:

ClinVar aggregate classification (germline): Likely pathogenic (1 of 4 stars; one submission).

gnomAD v4.1: 1 of 1,489,424 alleles (0.000067%); highest among the groups gnomAD compares: African/African-American, 0.0014%; no homozygotes.

Submission:

GeneDx
Classification: Likely pathogenic. Last evaluated: 2026-01-27. Review status: criteria provided, single submitter. Criteria: GeneDx Variant Classification Process June 2021. Collection method: clinical testing. Allele origin: germline. Affected: yes.
Comment: Not observed at significant frequency in large population cohorts (gnomAD); In silico analysis supports that this missense variant has a deleterious effect on protein structure/function; Has not been previously published as pathogenic or benign to our knowledge

NM_000807.4(GABRA2):c.281G>A (p.Arg94Gln)

Gene: GABRA2 (gamma-aminobutyric acid type A receptor subunit alpha2; minus strand). Cytogenetic location: 4p12.
Variant type: single nucleotide variant.
Coding change: c.281G>A on transcript NM_000807.4 (MANE Select); coding-DNA position 281, G replaced by A.
Protein change: p.Arg94Gln; replaces arginine 94 with glutamine.
Molecular consequence: missense variant.
Genome position (GRCh38, 1-based): chr4:46,312,691, C>T on the plus strand (G>A on the coding strand, the complement: GABRA2 is on the minus strand). VCF-style: chr4-46312691-C-T. GRCh37 (hg19) VCF-style: chr4-46314708-C-T.
Other names: c.281G>A, p.Arg94Gln (NM_001114175.3, NM_001330690.2, NM_001377144.1 and 8 more transcripts); c.116G>A, p.Arg39Gln (NM_001286827.3, NM_001377152.1, NM_001377153.1 and 1 more transcripts); short protein forms R39Q, R94Q.
Identifiers: ClinVar variation 3602196 (VCV003602196.2).
Genomic context (GRCh38, chr4:46,312,691, plus strand): 5'-TTTAGTCGAAGGATATTCATAGGACCTTTAAATTTTAAACGTTCATCTTTCCATTTTTGT[C>T]GAAAGAAAACATCAATTGTATATTCCTGAAATAAAAAATAGAATTTTTTTGAAAATAGTA-3'
Protein context (NP_000798.2, residues 84-104): DMEYTIDVFF[Arg94Gln]QKWKDERLKF